The following is an entry in ClinVar:

NM_000275.3(OCA2):c.759del (p.Glu253fs)

Gene: OCA2 (OCA2 melanosomal transmembrane protein; minus strand). Cytogenetic location: 15q13.1.
Variant type: Deletion.
Coding change: c.759del on transcript NM_000275.3 (MANE Select); coding-DNA position 759, one base deleted (G; older notation c.759delG).
Protein change: p.Glu253fs; shifts the reading frame from glutamic acid 253.
Molecular consequence: frameshift variant.
Genome position (GRCh38, 1-based): chr15:28,018,445, C deleted on the plus strand (G on the coding strand, the reverse complement: OCA2 is on the minus strand). VCF-style (leftmost placement, unchanged base first): chr15-28018444-GC-G. GRCh37 (hg19) VCF-style: chr15-28263590-GC-G.
Other names: c.759del, p.Glu253fs (NM_001300984.2); c.759del (NM_000275.2); short protein forms E253fs.
Identifiers: ClinVar variation 2663762 (VCV002663762.4), dbSNP rs2524458707, ClinGen allele CA2627390372.
Genomic context (GRCh38, chr15:28,018,444, plus strand): 5'-TTATCAGCATAACCTGCTGTGGCCGCCGCCACCTGGAGCCCAAAGCGTCAGCCTGGGTCA[GC>G]TCCACCACGATGTGCTCTTCCCTCCCAGGACGACTCGGCCCACTGGCCACTAGGGCCCCT-3'

ClinVar aggregate classification (germline): Pathogenic. Review status: criteria provided, multiple submitters, no conflicts (2 of 4 stars). 3 submissions from 3 submitters: Pathogenic (3). Last evaluated 2025-07-31.

Conditions:
Tyrosinase-positive oculocutaneous albinism (OCA2). Also called: ALBINISM II; Oculocutaneous albinism type 2; Albinism, oculocutaneous, type II. Identifiers: Orphanet 79432, MedGen C0268495, MONDO:0008746, OMIM 203200.

Allele frequency attached by ClinVar (database versions not stated): gnomAD exomes below 0.00001.

Submissions (3):

GeneDx
Classification: Pathogenic. Last evaluated: 2025-07-31. Review status: criteria provided, single submitter. Criteria: GeneDx Variant Classification Process June 2021. Collection method: clinical testing. Allele origin: germline. Affected: yes.
Comment: Frameshift variant predicted to result in protein truncation or nonsense mediated decay in a gene for which loss of function is a known mechanism of disease; Not observed at significant frequency in large population cohorts (gnomAD); This variant is associated with the following publications: (PMID: 38720644)

Labcorp Genetics (formerly Invitae), Labcorp
Classification: Pathogenic. Last evaluated: 2024-05-28. Review status: criteria provided, single submitter. Criteria: Invitae Variant Classification Sherloc (09022015). Collection method: clinical testing. Allele origin: germline.
Comment: This sequence change creates a premature translational stop signal (p.Glu253Aspfs*2) in the OCA2 gene. It is expected to result in an absent or disrupted protein product. Loss-of-function variants in OCA2 are known to be pathogenic (PMID: 19865097, 21541274). This variant is not present in population databases (gnomAD no frequency). This variant has not been reported in the literature in individuals affected with OCA2-related conditions. ClinVar contains an entry for this variant (Variation ID: 2663762). Algorithms developed to predict the effect of sequence changes on RNA splicing suggest that this variant may disrupt the consensus splice site. For these reasons, this variant has been classified as Pathogenic.

Molecular Genetics, University Hospital Bordeaux
Classification: Pathogenic for Tyrosinase-positive oculocutaneous albinism. Last evaluated: 2023-11-20. Review status: criteria provided, single submitter. Criteria: ACMG Guidelines, 2015. Collection method: clinical testing. Allele origin: inherited. Affected: yes.

Literature cited by the submitters: PubMed 19865097 (cited by Labcorp Genetics (formerly Invitae), Labcorp); PubMed 21541274 (cited by Labcorp Genetics (formerly Invitae), Labcorp).